The following is an entry in ClinVar:

ClinVar aggregate classification (germline): Pathogenic (1 of 4 stars; one submission).

Submission:

Labcorp Genetics (formerly Invitae), Labcorp
Classification: Pathogenic. Last evaluated: 2023-04-15. Review status: criteria provided, single submitter. Criteria: Invitae Variant Classification Sherloc (09022015). Collection method: clinical testing. Allele origin: germline.
Comment: ClinVar contains an entry for this variant (Variation ID: 1372640). For these reasons, this variant has been classified as Pathogenic. This variant has not been reported in the literature in individuals affected with USH2A-related conditions. This variant is not present in population databases (gnomAD no frequency). This sequence change creates a premature translational stop signal (p.Pro1249Hisfs*14) in the USH2A gene. It is expected to result in an absent or disrupted protein product. Loss-of-function variants in USH2A are known to be pathogenic (PMID: 10729113, 10909849, 20507924, 25649381).

Literature cited by the submitters: PubMed 10729113; PubMed 10909849; PubMed 20507924; PubMed 25649381.

NM_206933.4(USH2A):c.3742_3743dup (p.Pro1249fs)

Genes: USH2A (usherin; minus strand), USH2A-AS1 (USH2A antisense RNA 1; plus strand). Cytogenetic location: 1q41.
Variant type: Duplication.
Coding change: c.3742_3743dup on transcript NM_206933.4 (MANE Select); coding-DNA positions 3742 to 3743, 2 bases duplicated (CC; older notation c.3742_3743dupCC).
Protein change: p.Pro1249fs; shifts the reading frame from proline 1249.
Molecular consequence: frameshift variant.
Genome position (GRCh38, 1-based): chr1:216,199,695-216,199,696, GG duplicated on the plus strand (CC on the coding strand, the reverse complement: USH2A is on the minus strand). VCF-style (leftmost placement, unchanged base first): chr1-216199694-T-TGG. GRCh37 (hg19) VCF-style: chr1-216373036-T-TGG.
Other names: c.3742_3743dup, p.Pro1249fs (NM_007123.6); short protein forms P1249fs.
Identifiers: ClinVar variation 1372640 (VCV001372640.6), dbSNP rs2102466345, ClinGen allele CA2573132009.